The following is an entry in ClinVar:

ClinVar aggregate classification (germline): Uncertain significance (1 of 4 stars; one submission).

gnomAD v4.1: 1 of 1,613,788 alleles (0.000062%); highest among the groups gnomAD compares: Non-Finnish European, 0.000085%; no homozygotes.

Submission:

Labcorp Genetics (formerly Invitae), Labcorp
Classification: Uncertain significance. Last evaluated: 2025-02-19. Review status: criteria provided, single submitter. Criteria: Invitae Variant Classification Sherloc (09022015). Collection method: clinical testing. Allele origin: germline.
Comment: This sequence change replaces arginine, which is basic and polar, with leucine, which is neutral and non-polar, at codon 429 of the PCK2 protein (p.Arg429Leu). This variant is present in population databases (rs370631813, gnomAD 0.002%). This variant has not been reported in the literature in individuals affected with PCK2-related conditions. Invitae Evidence Modeling of protein sequence and biophysical properties (such as structural, functional, and spatial information, amino acid conservation, physicochemical variation, residue mobility, and thermodynamic stability) indicates that this missense variant is not expected to disrupt PCK2 protein function with a negative predictive value of 80%. In summary, the available evidence is currently insufficient to determine the role of this variant in disease. Therefore, it has been classified as a Variant of Uncertain Significance.

NM_004563.4(PCK2):c.1286G>T (p.Arg429Leu)

Genes: NRL (neural retina leucine zipper; minus strand), PCK2 (phosphoenolpyruvate carboxykinase 2, mitochondrial; plus strand). Cytogenetic location: 14q12.
Variant type: single nucleotide variant.
Coding change: c.1286G>T on transcript NM_004563.4 (MANE Select); coding-DNA position 1286, G replaced by T.
Protein change: p.Arg429Leu; replaces arginine 429 with leucine.
Molecular consequence: missense variant. On other transcripts: intron variant (3).
Genome position (GRCh38, 1-based): chr14:24,102,804, G>T. VCF-style: chr14-24102804-G-T. GRCh37 (hg19) VCF-style: chr14-24572013-G-T.
Other names: c.884G>T, p.Arg295Leu (NM_001291556.2, NM_001308054.2); c.-28+11918C>A (NM_001354768.3, NM_001354770.2); c.-254+11918C>A (NM_006177.5); short protein forms R429L, R295L.
Identifiers: ClinVar variation 3676124 (VCV003676124.2).
Genomic context (GRCh38, chr14:24,102,804, plus strand): 5'-CTCTGCCAGGTGACAAGGAGCCCTGTGCACATCCCAACTCTCGATTTTGTGCCCCGGCTC[G>T]CCAGTGCCCCATCATGGACCCAGCCTGGGAGGCCCCAGAGGGTGTCCCCATTGACGCCAT-3'
Protein context (NP_004554.3, residues 419-439): HPNSRFCAPA[Arg429Leu]QCPIMDPAWE